The following is an entry in ClinVar:

ClinVar aggregate classification (germline): Uncertain significance. Review status: criteria provided, multiple submitters, no conflicts (2 of 4 stars). 3 submissions from 3 submitters: Uncertain significance (3). Last evaluated 2022-09-02.

Conditions:
Spinocerebellar ataxia type 28 (SCA28). Also called: Spinocerebellar Ataxia Type 28 (SCA28). Identifiers: Orphanet 101109, MedGen C1853249, MONDO:0012450, OMIM 610246.

Allele frequency attached by ClinVar (database versions not stated): gnomAD exomes 0.00002; TOPMed 0.00002; gnomAD 0.00003 and 0.00004.
gnomAD v4.1: 31 of 1,614,098 alleles (0.0019%); highest among the groups gnomAD compares: Middle Eastern, 0.049%; no homozygotes.

Submissions (3):

GeneDx
Classification: Uncertain significance. Last evaluated: 2022-09-02. Review status: criteria provided, single submitter. Criteria: GeneDx Variant Classification Process June 2021. Collection method: clinical testing. Allele origin: germline. Affected: yes.
Comment: In silico analysis supports that this missense variant has a deleterious effect on protein structure/function; This variant is associated with the following publications: (PMID: 33956305)

Labcorp Genetics (formerly Invitae), Labcorp
Classification: Uncertain significance. Last evaluated: 2022-06-22. Review status: criteria provided, single submitter. Criteria: Invitae Variant Classification Sherloc (09022015). Collection method: clinical testing. Allele origin: germline.
Comment: Algorithms developed to predict the effect of missense changes on protein structure and function (SIFT, PolyPhen-2, Align-GVGD) all suggest that this variant is likely to be tolerated. In summary, the available evidence is currently insufficient to determine the role of this variant in disease. Therefore, it has been classified as a Variant of Uncertain Significance. ClinVar contains an entry for this variant (Variation ID: 889095). This missense change has been observed in individual(s) with cerebellar ataxia (PMID: 33956305). This variant is present in population databases (rs758811358, gnomAD 0.008%). This sequence change replaces lysine, which is basic and polar, with threonine, which is neutral and polar, at codon 569 of the AFG3L2 protein (p.Lys569Thr).

Illumina Laboratory Services, Illumina
Classification: Uncertain significance for Spinocerebellar ataxia type 28. Last evaluated: 2018-01-12. Review status: criteria provided, single submitter. Criteria: ICSL Variant Classification Criteria 13 December 2019. Collection method: clinical testing. Allele origin: germline.

Literature cited by the submitters: PubMed 33956305 (cited by Labcorp Genetics (formerly Invitae), Labcorp).

NM_006796.3(AFG3L2):c.1706A>C (p.Lys569Thr)

Gene: AFG3L2 (AFG3 like matrix AAA peptidase subunit 2; minus strand). Cytogenetic location: 18p11.21.
Variant type: single nucleotide variant.
Coding change: c.1706A>C on transcript NM_006796.3 (MANE Select); coding-DNA position 1706, A replaced by C.
Protein change: p.Lys569Thr; replaces lysine 569 with threonine.
Molecular consequence: missense variant.
Genome position (GRCh38, 1-based): chr18:12,344,205, T>G on the plus strand (A>C on the coding strand, the complement: AFG3L2 is on the minus strand). VCF-style: chr18-12344205-T-G. GRCh37 (hg19) VCF-style: chr18-12344204-T-G.
Other names: short protein forms K569T.
Identifiers: ClinVar variation 889095 (VCV000889095.9), dbSNP rs758811358, ClinGen allele CA8896422.